The following is an entry in ClinVar:

NC_000007.14:g.156791448A>G

Genes: LMBR1 (limb development membrane protein 1; minus strand), SHH (sonic hedgehog signaling molecule; minus strand), ZRS (ZPA regulatory sequence; plus strand). Cytogenetic location: 7q36.3.
Variant type: single nucleotide variant.
Molecular consequence: intron variant (on NM_022458.4).
Genome position: GRCh38 VCF-style: chr7-156791448-A-G. GRCh37 (hg19) VCF-style: chr7-156584142-A-G.
Other names: c.360+4941T>C (NM_001363412.2); c.144+4941T>C (NM_001350954.2); c.423+4941T>C (NM_001363410.2, NM_022458.4, NM_001363409.2 and 1 more transcripts); c.-112+4941T>C (NM_001350958.2, NM_001350956.2, NM_001350955.2 and 1 more transcripts); c.54+4941T>C (NM_001350957.2, NM_001363411.2).
Identifiers: ClinVar variation 4989735 (VCV004989735.1).
Genomic context (GRCh38, chr7:156,791,448, plus strand): 5'-TTCCTACTCACTCTGTGTCTCTTTAAGATGGAGGCCTGATACAAATTAGCCACTGGGGGG[A>G]AAAAGTCATCTGGTCATAAAATACAGTACAAGGTCACTTTTATGTAAGTTTGCCAAAAGG-3'

ClinVar aggregate classification (germline): Uncertain significance (1 of 4 stars; one submission).

Conditions:
SHH-related disorder. Also called: SHH-related disorders; SHH-related condition.

gnomAD v4.1: 6 of 152,138 alleles (0.0039%); highest among the groups gnomAD compares: African/African-American, 0.0097%; no homozygotes.

Submission:

PreventionGenetics, part of Exact Sciences
Classification: Uncertain significance for SHH-related condition. Last evaluated: 2026-04-22. Review status: criteria provided, single submitter. Criteria: ACMG Guidelines, 2015. Collection method: clinical testing. Allele origin: germline.
Comment: The SHH c.-979326T>C variant is located in the 5' untranslated region. This variant may also be described as c.423+4941T>C within intron 5 of the LMBR1 gene (NM_022458), which contains the highly conserved ZPA cis-regulatory sequence (ZRS) located ~1 Mb upstream of the SHH gene. To our knowledge, this variant has not been reported in the literature or in a large population database (gnomAD), indicating this variant is rare. At this time, the clinical significance of this variant is uncertain due to the absence of conclusive functional and genetic evidence.